The following is an entry in ClinVar:

NM_001370259.2(MEN1):c.655-7C>G

Gene: MEN1 (menin 1; minus strand). Cytogenetic location: 11q13.1.
Variant type: single nucleotide variant.
Coding change: c.655-7C>G on transcript NM_001370259.2 (MANE Select); 7 bases into the intron before coding-DNA position 655, C replaced by G.
Molecular consequence: intron variant.
Genome position (GRCh38, 1-based): chr11:64,807,687, G>C on the plus strand (C>G on the coding strand, the complement: MEN1 is on the minus strand). VCF-style: chr11-64807687-G-C. GRCh37 (hg19) VCF-style: chr11-64575159-G-C.
Other names: c.550-7C>G (NM_001370262.2, NM_001370263.2); c.655-7C>G (NM_001370261.2, NM_001370260.2, NM_001370251.2 and 1 more transcripts); c.670-7C>G (NM_130802.3, NM_130801.3, NM_130800.3 and 3 more transcripts).
Identifiers: ClinVar variation 1060497 (VCV001060497.9), dbSNP rs771297371, ClinGen allele CA2499221162.

ClinVar aggregate classification (germline): Uncertain significance (1 of 4 stars; one submission).

Conditions:
Multiple endocrine neoplasia, type 1 (MEN1). Also called: MEN I; WERMER SYNDROME; Endocrine adenomatosis multiple; MEN 1; MEA I. Identifiers: Orphanet 652, MedGen C0025267, MeSH D018761, MONDO:0007540, OMIM 131100.

Submission:

Labcorp Genetics (formerly Invitae), Labcorp
Classification: Uncertain significance for Multiple endocrine neoplasia, type 1. Last evaluated: 2025-07-02. Review status: criteria provided, single submitter. Criteria: Invitae Variant Classification Sherloc (09022015). Collection method: clinical testing. Allele origin: germline.
Comment: This sequence change falls in intron 3 of the MEN1 gene. It does not directly change the encoded amino acid sequence of the MEN1 protein. This variant is not present in population databases (gnomAD no frequency). This variant has not been reported in the literature in individuals affected with MEN1-related conditions. ClinVar contains an entry for this variant (Variation ID: 1060497). Studies have shown that this variant is associated with inconclusive levels of altered splicing (internal data). In summary, the available evidence is currently insufficient to determine the role of this variant in disease. Therefore, it has been classified as a Variant of Uncertain Significance.